The following is an entry in ClinVar:

NM_174936.4(PCSK9):c.192C>T (p.Phe64=)

Gene: PCSK9 (proprotein convertase subtilisin/kexin type 9; plus strand). Cytogenetic location: 1p32.3.
Variant type: single nucleotide variant.
Coding change: c.192C>T on transcript NM_174936.4 (MANE Select); coding-DNA position 192, C replaced by T.
Protein change: p.Phe64=; no amino-acid change (phenylalanine 64 retained).
Molecular consequence: synonymous variant. On other transcripts: 5 prime UTR variant (1), non-coding transcript variant (8).
Genome position (GRCh38, 1-based): chr1:55,040,029, C>T. VCF-style: chr1-55040029-C-T. GRCh37 (hg19) VCF-style: chr1-55505702-C-T.
Other names: c.192C>T, p.Phe64= (NM_001407240.1, NM_001407241.1, NM_001407242.1 and 4 more transcripts); c.-543C>T (NM_001407246.1).
Identifiers: ClinVar variation 2774035 (VCV002774035.3), dbSNP rs750829547, ClinGen allele CA039731.

ClinVar aggregate classification (germline): Likely benign. Review status: criteria provided, multiple submitters, no conflicts (2 of 4 stars). 2 submissions from 2 submitters: Likely benign (2). Last evaluated 2024-02-22.

Conditions:
Hypercholesterolemia, autosomal dominant, 3 (FHCL3). Also called: Familial Hypercholesterolemia, Autosomal Dominant, 3; PCSK9-Related Familial Hypercholesterolemia, Autosomal Dominant; Familial hypercholesterolemia 3. Identifiers: MedGen C1863551, MONDO:0011369, OMIM 603776.
Familial hypercholesterolemia. Also called: Familial hypercholesterolemias; Familial hypercholesterolaemia. Identifiers: MedGen C0020445, MONDO:0005439.

Allele frequency attached by ClinVar (database versions not stated): gnomAD exomes 0.00001; TOPMed 0.00001.
gnomAD v4.1: 4 of 1,569,982 alleles (0.00025%); highest among the groups gnomAD compares: East Asian, 0.0095%; no homozygotes.

Submissions (2):

All of Us Research Program, National Institutes of Health
Classification: Likely benign for Hypercholesterolemia, autosomal dominant, 3. Last evaluated: 2024-02-22. Review status: criteria provided, single submitter. Criteria: ACMG Guidelines, 2015. Collection method: clinical testing. Allele origin: germline. Inheritance: Autosomal dominant inheritance. Observed: 1 variant allele, 1 heterozygote.
Comment: This study involves interpretation of variants in research participants for the purpose of population health screening. Participant phenotype was not available at the time of variant classification. Additional details can be found in publication PMID: 35346344, PMCID: PMC8962531

Color Diagnostics, LLC DBA Color Health
Classification: Likely benign for Familial hypercholesterolemia. Last evaluated: 2021-07-26. Review status: criteria provided, single submitter. Criteria: ACMG Guidelines, 2015. Collection method: clinical testing. Allele origin: germline.